The following is an entry in ClinVar:

ClinVar aggregate classification (germline): Uncertain significance (1 of 4 stars; one submission).

Submission:

Labcorp Genetics (formerly Invitae), Labcorp
Classification: Uncertain significance. Last evaluated: 2020-05-13. Review status: criteria provided, single submitter. Criteria: Invitae Variant Classification Sherloc (09022015). Collection method: clinical testing. Allele origin: germline.
Comment: In summary, the available evidence is currently insufficient to determine the role of this variant in disease. Therefore, it has been classified as a Variant of Uncertain Significance. Nucleotide substitutions within the consensus splice site are a relatively common cause of aberrant splicing (PMID: 17576681, 9536098). Algorithms developed to predict the effect of sequence changes on RNA splicing suggest that this variant may create or strengthen a splice site, but this prediction has not been confirmed by published transcriptional studies. This variant has not been reported in the literature in individuals with CTNNA1-related conditions. This variant is not present in population databases (ExAC no frequency). This sequence change falls in intron 10 of the CTNNA1 gene. It does not directly change the encoded amino acid sequence of the CTNNA1 protein, but it affects a nucleotide within the consensus splice site of the intron.

Literature cited by the submitters: PubMed 17576681; PubMed 9536098.

NM_001903.5(CTNNA1):c.1390-3C>T

Gene: CTNNA1 (catenin alpha 1; plus strand). Cytogenetic location: 5q31.2.
Variant type: single nucleotide variant.
Coding change: c.1390-3C>T on transcript NM_001903.5 (MANE Select); 3 bases into the intron before coding-DNA position 1390, C replaced by T.
Molecular consequence: intron variant.
Genome position (GRCh38, 1-based): chr5:138,917,739, C>T. VCF-style: chr5-138917739-C-T. GRCh37 (hg19) VCF-style: chr5-138253428-C-T.
Other names: c.1390-3C>T (NM_001323982.2, NM_001323984.2, NM_001290307.3 and 2 more transcripts); c.1297-3C>T (NM_001323986.2); c.1021-3C>T (NM_001290310.3); c.1081-3C>T (NM_001290309.3); c.280-3C>T (NM_001323996.1, NM_001323993.1, NM_001324005.1 and 17 more transcripts); c.-60-3C>T (NM_001324007.1, NM_001324009.1, NM_001324006.1 and 2 more transcripts); c.37-3C>T (NM_001324013.1, NM_001324012.1); c.187-3C>T (NM_001324011.1).
Identifiers: ClinVar variation 1063952 (VCV001063952.9), dbSNP rs2150233593, ClinGen allele CA2499217660.